The following is an entry in ClinVar:

NM_000051.4(ATM):c.2848C>T (p.Leu950Phe)

Gene: ATM (ATM serine/threonine kinase; plus strand). Cytogenetic location: 11q22.3.
Variant type: single nucleotide variant.
Coding change: c.2848C>T on transcript NM_000051.4 (MANE Select); coding-DNA position 2848, C replaced by T.
Protein change: p.Leu950Phe; replaces leucine 950 with phenylalanine.
Molecular consequence: missense variant.
Genome position (GRCh38, 1-based): chr11:108,271,073, C>T. VCF-style: chr11-108271073-C-T. GRCh37 (hg19) VCF-style: chr11-108141800-C-T.
Other names: c.2848C>T, p.Leu950Phe (NM_001351834.2); short protein forms L950F.
Identifiers: ClinVar variation 220494 (VCV000220494.39), dbSNP rs763064034, ClinGen allele CA348417.
Genomic context (GRCh38, chr11:108,271,073, plus strand): 5'-AAGTAAATGATTTGTGGATAAACCTGATTTTTTTCCCTCCTACCATCTTAGTATCTAATG[C>T]TTTTAAAGGAGCTTCCTGGAGAAGAGTACCCCTTGCCAATGGAAGATGTTCTTGAACTTC-3'
Protein context (NP_000042.3, residues 940-960): KSLHLHMYLM[Leu950Phe]LKELPGEEYP

ClinVar aggregate classification (germline): Uncertain significance. Review status: criteria provided, multiple submitters, no conflicts (2 of 4 stars). 12 submissions from 12 submitters: Uncertain significance (11). 1 of the submissions does not count toward it. Last evaluated 2026-06-17.

Conditions:
ATM-related disorder. Also called: ATM-related disorders; ATM-related condition.
Hereditary cancer-predisposing syndrome. Also called: Neoplastic Syndromes, Hereditary; Tumor predisposition; Hereditary Cancer Syndrome; Hereditary neoplastic syndrome. Identifiers: Orphanet 140162, MedGen C0027672, MeSH D009386, MONDO:0015356.
Ataxia-telangiectasia syndrome (AT). Also called: Cerebello-oculocutaneous telangiectasia; Immunodeficiency with ataxia telangiectasia; ATAXIA-TELANGIECTASIA, COMPLEMENTATION GROUP A; ATAXIA-TELANGIECTASIA, FRESNO VARIANT; Ataxia-telangiectasia; Ataxia-telangiectasia, complementation group E. Identifiers: Orphanet 100, MedGen C0004135, MONDO:0008840, OMIM 208900.
Familial cancer of breast. Also called: hereditary breast carcinoma; BREAST CANCER, FAMILIAL; Hereditary breast cancer. Identifiers: Orphanet 227535, MedGen C0346153, MONDO:0016419, OMIM 114480. Disease mechanism: loss of function.

Allele frequency attached by ClinVar (database versions not stated): ExAC 0.00001; gnomAD exomes 0.00002 and 0.00005; TOPMed 0.00015; gnomAD 0.00016.
gnomAD v4.1: 46 of 1,613,582 alleles (0.0029%); highest among the groups gnomAD compares: Admixed American, 0.067%; no homozygotes.

Submissions (12):

PreventionGenetics, part of Exact Sciences
Classification: Uncertain significance for ATM-related condition. Last evaluated: 2026-06-17. Review status: criteria provided, single submitter. Criteria: ACMG Guidelines, 2015. Collection method: clinical testing. Allele origin: germline.
Comment: The ATM c.2848C>T variant is predicted to result in the amino acid substitution p.Leu950Phe. This variant has been reported in an individual with multiple myeloma and in an individual with colorectal cancer (Table 1, Pertesi et al. 2026. PubMed ID: 41254116; Table e2, Ricker et al. 2017. PubMed ID: 28640387). This variant is reported in 0.037% of alleles in individuals of Latino descent in gnomAD and listed as a variant of uncertain significance (VUS) in ClinVar (Variation ID: 220494). Of note, a different substitution at the same codon, defined as c.2849T>G (p.Leu950Arg), was identified in individuals with ataxia telangiectasia or prostate cancer (see for example, reported as L949R at Becker-Catania et al. 2000. PubMed ID: 10873394; Na et al. 2017. PubMed ID: 27989354); and this variant is listed as likely pathogenic in ClinVar (Variation ID: 186574). At this time, the clinical significance of the c.2848C>T (p.Leu950Phe) variant is uncertain due to the absence of conclusive functional and genetic evidence.

Labcorp Genetics (formerly Invitae), Labcorp
Classification: Uncertain significance for Ataxia-telangiectasia syndrome. Last evaluated: 2026-02-02. Review status: criteria provided, single submitter. Criteria: Invitae Variant Classification Sherloc (09022015). Collection method: clinical testing. Allele origin: germline.
Comment: This sequence change replaces leucine, which is neutral and non-polar, with phenylalanine, which is neutral and non-polar, at codon 950 of the ATM protein (p.Leu950Phe). RNA analysis indicates that this missense change induces altered splicing and may result in an absent or altered protein product. This variant is present in population databases (rs763064034, gnomAD 0.04%). This variant has not been reported in the literature in individuals affected with ATM-related conditions. This missense change has been observed to co-occur in individuals with a different variant in ATM that has been determined to be pathogenic (internal data), but the significance of this finding is unclear. ClinVar contains an entry for this variant (Variation ID: 220494). Invitae Evidence Modeling of protein sequence and biophysical properties (such as structural, functional, and spatial information, amino acid conservation, physicochemical variation, residue mobility, and thermodynamic stability) indicates that this missense variant is not expected to disrupt ATM protein function with a negative predictive value of 95%. Studies have shown that this missense change results in activation of a cryptic splice site, and produces a non-functional protein and/or introduces a premature termination codon (internal data). In summary, the available evidence is currently insufficient to determine the role of this variant in disease. Therefore, it has been classified as a Variant of Uncertain Significance.

Quest Diagnostics Nichols Institute San Juan Capistrano
Classification: Uncertain significance. Last evaluated: 2025-10-31. Review status: criteria provided, single submitter. Criteria: Quest Diagnostics criteria. Collection method: clinical testing. Allele origin: unknown.

GeneDx
Classification: Uncertain significance. Last evaluated: 2025-06-11. Review status: criteria provided, single submitter. Criteria: GeneDx Variant Classification Process June 2021. Collection method: clinical testing. Allele origin: germline. Affected: yes.
Comment: A different missense change at this residue (p.L950R) has been reported as likely pathogenic at GeneDx; In silico analysis suggests that this missense variant does not alter protein structure/function; This variant is associated with the following publications: (PMID: 19781682, 28640387)

Ambry Genetics
Classification: Uncertain significance for Hereditary cancer-predisposing syndrome. Last evaluated: 2025-04-24. Review status: criteria provided, single submitter. Criteria: Ambry Variant Classification Scheme 2023. Collection method: clinical testing. Allele origin: germline.
Comment: The p.L950F variant (also known as c.2848C>T), located in coding exon 18 of the ATM gene, results from a C to T substitution at nucleotide position 2848. The leucine at codon 950 is replaced by phenylalanine, an amino acid with highly similar properties. RNA studies have demonstrated that this alteration results in an incomplete splice defect; the clinical impact of this abnormal splicing is unknown at this time (Ambry internal data). This amino acid position is highly conserved in available vertebrate species. In addition, the in silico prediction for this alteration is inconclusive. Based on the available evidence, the clinical significance of this variant remains unclear.

Revvity Omics, Revvity
Classification: Uncertain significance for Ataxia-telangiectasia syndrome. Last evaluated: 2025-03-21. Review status: criteria provided, single submitter. Criteria: ACMG Guidelines, 2015. Collection method: clinical testing. Allele origin: germline.

Color Diagnostics, LLC DBA Color Health
Classification: Uncertain significance for Hereditary cancer-predisposing syndrome. Last evaluated: 2024-12-11. Review status: criteria provided, single submitter. Criteria: ACMG Guidelines, 2015. Collection method: clinical testing. Allele origin: germline.
Comment: This missense variant replaces leucine with phenylalanine at codon 950 of the ATM protein. Computational prediction suggests that this variant may not impact protein structure and function. To our knowledge, functional studies have not been performed for this variant. The variant has been reported in an individual affected with colorectal cancer (PMID: 28640387). This variant has been identified in 13/282754 chromosomes in the general population by the Genome Aggregation Database (gnomAD). A different missense variant affecting the same codon, p.Leu950Arg, is considered to be disease-causing (ClinVar Variation ID: 186574), suggesting that leucine at this position is important for ATM protein function. The available evidence for the p.Leu950Phe variant is insufficient to determine the role of this variant in disease conclusively. Therefore, this variant is classified as a Variant of Uncertain Significance.

Fulgent Genetics
Classification: Uncertain significance for Familial cancer of breast; Ataxia-telangiectasia syndrome. Last evaluated: 2024-06-03. Review status: criteria provided, single submitter. Criteria: ACMG Guidelines, 2015. Collection method: clinical testing. Allele origin: germline.

Women's Health and Genetics/Laboratory Corporation of America, LabCorp
Classification: Uncertain significance. Last evaluated: 2024-04-08. Review status: criteria provided, single submitter. Criteria: LabCorp Variant Classification Summary - May 2015. Collection method: clinical testing. Allele origin: germline.
Comment: Variant summary: The variant, ATM c.2848C>T (p.Leu950Phe) results in a non-conservative amino acid change in the encoded protein sequence. Five of five in-silico tools predict a damaging effect of the variant on protein function. The variant allele was found at a frequency of 5.1e-05 in 277140 control chromosomes, predominantly within the Latino subpopulation at a frequency of 0.00038 in the gnomAD database. This frequency is not higher than expected for a pathogenic variant in ATM causing Breast Cancer (0.00038 vs. 0.001), allowing no conclusion about variant significance. The variant, c.2848C>T has been reported in the literature in an individual affected with colorectal cancer (Ricker 2017). However, this report does not provide unequivocal conclusions about association of the variant with Breast Cancer. To our knowledge, no experimental evidence demonstrating an impact on protein function has been reported. A different missense change affecting the same amino acid residue (c.2849T>G, p.Leu950Arg) is reported in ClinVar as likely pathogenic that might indicate the importance of this amino acid residue in protein function. The following publication have been ascertained in the context of this evaluation (PMID: 28640387). ClinVar contains an entry for this variant (Variation ID: 220494). Based on the evidence outlined above, the variant was classified as uncertain significance.

Sema4
Classification: Uncertain significance for Hereditary cancer-predisposing syndrome. Last evaluated: 2021-08-23. Review status: criteria provided, single submitter. Criteria: Sema4 Curation Guidelines. Collection method: curation. Allele origin: germline.
Comment: The ATM c.2848C>T (p.L950F) variant has been reported in 1 individual with colorectal cancer (PMID 28640387). This variant was observed in 13/35428 chromosomes in the Latino population in the large and broad cohorts of the Genome Aggregation Database (PMID: 32461654). This variant has been reported in ClinVar (Variation ID 220494). Functional studies have not been performed, and in silico predictions of the variant's effect on protein function are inconclusive. The overall evidence is insufficient to meet ACMG/AMP criteria for classifying it as benign or pathogenic. In summary, the clinical significance of this variant is currently uncertain.

Blueprint Genetics
Classification: Uncertain significance. Last evaluated: 2018-09-16. Review status: criteria provided, single submitter. Criteria: ACMG Guidelines, 2015. Collection method: clinical testing. Allele origin: germline.

Natera, Inc.
Classification: Uncertain significance for Ataxia-telangiectasia. Last evaluated: 2020-09-16. Review status: no assertion criteria provided. Collection method: clinical testing. Allele origin: germline. Not counted in ClinVar's aggregate classification.

Literature cited by the submitters: PubMed 10873394 (cited by Ambry Genetics); PubMed 12552559 (cited by Ambry Genetics); PubMed 20678261 (cited by Ambry Genetics); PubMed 28640387 (cited by 4 submitters).